The following is an entry in ClinVar:

ClinVar aggregate classification (germline): Uncertain significance (1 of 4 stars; one submission).

gnomAD v4.1: 16 of 1,613,880 alleles (0.00099%); highest among the groups gnomAD compares: Middle Eastern, 0.017%; no homozygotes.

Submission:

Labcorp Genetics (formerly Invitae), Labcorp
Classification: Uncertain significance. Last evaluated: 2025-10-02. Review status: criteria provided, single submitter. Criteria: Invitae Variant Classification Sherloc (09022015). Collection method: clinical testing. Allele origin: germline.
Comment: This sequence change replaces arginine, which is basic and polar, with histidine, which is basic and polar, at codon 92 of the ELOVL1 protein (p.Arg92His). This variant is present in population databases (rs556817698, gnomAD 0.02%). This variant has not been reported in the literature in individuals affected with ELOVL1-related conditions. ClinVar contains an entry for this variant (Variation ID: 3615794). Invitae Evidence Modeling of protein sequence and biophysical properties (such as structural, functional, and spatial information, amino acid conservation, physicochemical variation, residue mobility, and thermodynamic stability) indicates that this missense variant is not expected to disrupt ELOVL1 protein function with a negative predictive value of 80%. In summary, the available evidence is currently insufficient to determine the role of this variant in disease. Therefore, it has been classified as a Variant of Uncertain Significance.

NM_022821.4(ELOVL1):c.275G>A (p.Arg92His)

Gene: ELOVL1 (ELOVL fatty acid elongase 1; minus strand). Cytogenetic location: 1p34.2.
Variant type: single nucleotide variant.
Coding change: c.275G>A on transcript NM_022821.4 (MANE Select); coding-DNA position 275, G replaced by A.
Protein change: p.Arg92His; replaces arginine 92 with histidine.
Molecular consequence: missense variant. On other transcripts: non-coding transcript variant (1), intron variant (1).
Genome position (GRCh38, 1-based): chr1:43,364,971, C>T on the plus strand (G>A on the coding strand, the complement: ELOVL1 is on the minus strand). VCF-style: chr1-43364971-C-T. GRCh37 (hg19) VCF-style: chr1-43830642-C-T.
Other names: c.275G>A, p.Arg92His (NM_001256399.2); c.32G>A, p.Arg11His (NM_001256402.2); c.238-177G>A (NM_001256401.2); short protein forms R11H, R92H.
Identifiers: ClinVar variation 3615794 (VCV003615794.2).